The following is an entry in ClinVar:

ClinVar aggregate classification (germline): Uncertain significance. Review status: criteria provided, multiple submitters, no conflicts (2 of 4 stars). 2 submissions from 2 submitters: Uncertain significance (2). Last evaluated 2020-09-07.

Conditions:
Compton-North congenital myopathy (CMYO12). Identifiers: Orphanet 210163, MedGen C2675527, MONDO:0012929, OMIM 612540.

Allele frequency attached by ClinVar (database versions not stated): gnomAD below 0.00001 and 0.00001; gnomAD exomes 0.00003 and 0.00006; ExAC 0.00007.

Submissions (2):

Labcorp Genetics (formerly Invitae), Labcorp
Classification: Uncertain significance for Compton-North congenital myopathy. Last evaluated: 2020-09-07. Review status: criteria provided, single submitter. Criteria: Invitae Variant Classification Sherloc (09022015). Collection method: clinical testing. Allele origin: germline.
Comment: This sequence change replaces isoleucine with threonine at codon 481 of the CNTN1 protein (p.Ile481Thr). The isoleucine residue is moderately conserved and there is a moderate physicochemical difference between isoleucine and threonine. This variant is present in population databases (rs745586631, ExAC 0.05%). This variant has not been reported in the literature in individuals with CNTN1-related conditions. ClinVar contains an entry for this variant (Variation ID: 450279). Algorithms developed to predict the effect of missense changes on protein structure and function output the following: SIFT: "Tolerated"; PolyPhen-2: "Benign"; Align-GVGD: "Class C0". The threonine amino acid residue is found in multiple mammalian species, suggesting that this missense change does not adversely affect protein function. These predictions have not been confirmed by published functional studies and their clinical significance is uncertain. In summary, the available evidence is currently insufficient to determine the role of this variant in disease. Therefore, it has been classified as a Variant of Uncertain Significance.

GeneDx
Classification: Uncertain significance. Last evaluated: 2017-07-07. Review status: criteria provided, single submitter. Criteria: GeneDx Variant Classification (06012015). Collection method: clinical testing. Allele origin: germline. Affected: yes.
Comment: A variant of uncertain significance has been identified in the CNTN1 gene. The I481T variant has not been published as a pathogenic variant, nor has it been reported as a benign variant to our knowledge. The I481T variant is observed in 8/16488 (0.01%) alleles from individuals of South Asian background (Lek et al., 2016; 1000 Genomes Consortium et al., 2015; Exome Variant Server). The I481T variant is a non-conservative amino acid substitution, which is likely to impact secondary protein structure as these residues differ in polarity, charge, size and/or other properties. However, this substitution occurs at a position that is not conserved. In silico analysis is inconsistent in its predictions as to whether or not the variant is damaging to the protein structure/function. Therefore, based on the currently available information, it is unclear whether this variant is a pathogenic variant or a rare benign variant.

NM_001843.4(CNTN1):c.1442T>C (p.Ile481Thr)

Gene: CNTN1 (contactin 1; plus strand). Cytogenetic location: 12q12.
Variant type: single nucleotide variant.
Coding change: c.1442T>C on transcript NM_001843.4 (MANE Select); coding-DNA position 1442, T replaced by C.
Protein change: p.Ile481Thr; replaces isoleucine 481 with threonine.
Molecular consequence: missense variant.
Genome position (GRCh38, 1-based): chr12:40,943,659, T>C. VCF-style: chr12-40943659-T-C. GRCh37 (hg19) VCF-style: chr12-41337461-T-C.
Other names: c.1442T>C, p.Ile481Thr (NM_001256063.2, NM_001256064.2); c.1409T>C, p.Ile470Thr (NM_175038.2); short protein forms I481T, I470T.
Identifiers: ClinVar variation 450279 (VCV000450279.9), dbSNP rs745586631, ClinGen allele CA6516859.